The following is an entry in ClinVar:

ClinVar aggregate classification (germline): Benign/Likely benign. Review status: criteria provided, multiple submitters, no conflicts (2 of 4 stars). 3 submissions from 3 submitters: Benign (1); Likely benign (2). Last evaluated 2026-09-01.

Allele frequency attached by ClinVar (database versions not stated): gnomAD exomes 0.00007 and 0.00027; 1000 Genomes Project 30x 0.00062; ExAC 0.00013; TOPMed 0.00017; gnomAD 0.00009 and 0.00010; 1000 Genomes Project 0.00053.
gnomAD v4.1: 81 of 1,210,357 alleles (0.0067%); highest among the groups gnomAD compares: Admixed American, 0.13%; no homozygotes.

Submissions (3):

CeGaT Center for Human Genetics Tuebingen
Classification: Likely benign. Last evaluated: 2026-09-01. Review status: criteria provided, single submitter. Criteria: CeGaT Center For Human Genetics Tuebingen Variant Classification Criteria Version 2. Collection method: clinical testing. Allele origin: germline. Affected: yes. Observed: 1 variant allele.
Comment: SH3KBP1: BP4, BP7, BS2

Labcorp Genetics (formerly Invitae), Labcorp
Classification: Benign. Last evaluated: 2025-11-18. Review status: criteria provided, single submitter. Criteria: Invitae Variant Classification Sherloc (09022015). Collection method: clinical testing. Allele origin: germline.

Blueprint Genetics
Classification: Likely benign. Last evaluated: 2024-06-24. Review status: criteria provided, single submitter. Criteria: ACMG Guidelines, 2015. Collection method: clinical testing. Allele origin: germline.

NM_031892.3(SH3KBP1):c.1773C>T (p.Phe591=)

Gene: SH3KBP1 (SH3 domain containing kinase binding protein 1; minus strand). Cytogenetic location: Xp22.12.
Variant type: single nucleotide variant.
Coding change: c.1773C>T on transcript NM_031892.3 (MANE Select); coding-DNA position 1773, C replaced by T.
Protein change: p.Phe591=; no amino-acid change (phenylalanine 591 retained).
Molecular consequence: synonymous variant.
Genome position (GRCh38, 1-based): chrX:19,542,044, G>A on the plus strand (C>T on the coding strand, the complement: SH3KBP1 is on the minus strand). VCF-style: chrX-19542044-G-A. GRCh37 (hg19) VCF-style: chrX-19560162-G-A.
Other names: c.1662C>T, p.Phe554= (NM_001024666.3); c.1059C>T, p.Phe353= (NM_001184960.2); c.1644C>T, p.Phe548= (NM_001353890.2); c.1848C>T, p.Phe616= (NM_001353891.2); c.1719C>T, p.Phe573= (NM_001353892.2); c.1671C>T, p.Phe557= (NM_001353893.2); c.1542C>T, p.Phe514= (NM_001353894.2); c.1599C>T, p.Phe533= (NM_001353895.2); and 1 more.
Identifiers: ClinVar variation 1544452 (VCV001544452.10), dbSNP rs199710100, ClinGen allele CA10364450.
Genomic context (GRCh38, chrX:19,542,044, plus strand): 5'-CTCCTCCACGGCCGCCTGGCTGCTGGCCGCAGGCTCCATCTTTGGTTTTCCTTCCGTGCC[G>A]AACAGAGACGGGGAGTTGGCTCTGTGTCCAGCTGTTCCCAAAGAGGATGACAGGGGGGAG-3'
Protein context (NP_114098.1, residues 581-601): AGHRANSPSL[Phe591=]GTEGKPKMEP